The following is an entry in ClinVar:

NM_001145026.2(PTPRQ):c.3873+7T>C

Gene: PTPRQ (protein tyrosine phosphatase receptor type Q; plus strand). Cytogenetic location: 12q21.31.
Variant type: single nucleotide variant.
Coding change: c.3873+7T>C on transcript NM_001145026.2 (MANE Select); 7 bases into the intron after coding-DNA position 3873, T replaced by C.
Molecular consequence: intron variant.
Genome position (GRCh38, 1-based): chr12:80,542,888, T>C. VCF-style: chr12-80542888-T-C. GRCh37 (hg19) VCF-style: chr12-80936667-T-C.
Identifiers: ClinVar variation 2570841 (VCV002570841.29), dbSNP rs181362419, ClinGen allele CA6702669.

ClinVar aggregate classification (germline): Conflicting classifications of pathogenicity. Review status: criteria provided, conflicting classifications (1 of 4 stars). 3 submissions from 3 submitters: Uncertain significance (1); Likely benign (2). Last evaluated 2026-07-01.

Conditions:
Hearing loss, autosomal recessive. Also called: Nonsyndromic Hearing Loss, Recessive; Deafness, autosomal recessive; Autosomal recessive nonsyndromic deafness; Rare autosomal recessive non-syndromic sensorineural deafness type DFNB. Identifiers: Orphanet 90635, Orphanet 90636, MedGen C1846647, MONDO:0019588, OMIM 607197.

Allele frequency attached by ClinVar (database versions not stated): 1000 Genomes Project 0.00100; 1000 Genomes Project 30x 0.00109; ExAC 0.00335; gnomAD 0.00444; TOPMed 0.00536; gnomAD exomes 0.00777.
gnomAD v4.1: 10,649 of 1,430,996 alleles (0.74%); highest among the groups gnomAD compares: Non-Finnish European, 0.9%; 64 homozygotes.

Submissions (3):

CeGaT Center for Human Genetics Tuebingen
Classification: Likely benign. Last evaluated: 2026-07-01. Review status: criteria provided, single submitter. Criteria: CeGaT Center For Human Genetics Tuebingen Variant Classification Criteria Version 2. Collection method: clinical testing. Allele origin: germline. Affected: yes. Observed: 7 variant alleles.
Comment: PTPRQ: BP4, BS2

Blueprint Genetics
Classification: Likely benign. Last evaluated: 2024-11-26. Review status: criteria provided, single submitter. Criteria: ACMG Guidelines, 2015. Collection method: clinical testing. Allele origin: germline.

Department of Pathology and Laboratory Medicine, Sinai Health System
Classification: Uncertain significance for hearing loss, autosomal recessive. Last evaluated: 2023-01-18. Review status: criteria provided, single submitter. Criteria: ACMG Guidelines, 2015. Collection method: research. Allele origin: germline.